The following is an entry in ClinVar:

NM_001958.5(EEF1A2):c.1180C>G (p.Leu394Val)

Gene: EEF1A2 (eukaryotic translation elongation factor 1 alpha 2; minus strand). Cytogenetic location: 20q13.33.
Variant type: single nucleotide variant.
Coding change: c.1180C>G on transcript NM_001958.5 (MANE Select); coding-DNA position 1180, C replaced by G.
Protein change: p.Leu394Val; replaces leucine 394 with valine.
Molecular consequence: missense variant.
Genome position (GRCh38, 1-based): chr20:63,489,002, G>C on the plus strand (C>G on the coding strand, the complement: EEF1A2 is on the minus strand). VCF-style: chr20-63489002-G-C. GRCh37 (hg19) VCF-style: chr20-62120355-G-C.
Other names: short protein forms L394V.
Identifiers: ClinVar variation 2746896 (VCV002746896.3), dbSNP rs2516773307, ClinGen allele CA409644359.

ClinVar aggregate classification (germline): Uncertain significance (1 of 4 stars; one submission).

Conditions:
Developmental and epileptic encephalopathy, 33 (DEE33). Also called: Epileptic encephalopathy, early infantile, 33. Identifiers: Orphanet 442835, MedGen C4225337, MONDO:0014625, OMIM 616409.

Submission:

Labcorp Genetics (formerly Invitae), Labcorp
Classification: Uncertain significance for Developmental and epileptic encephalopathy, 33. Last evaluated: 2023-07-25. Review status: criteria provided, single submitter. Criteria: Invitae Variant Classification Sherloc (09022015). Collection method: clinical testing. Allele origin: germline.
Comment: In summary, the available evidence is currently insufficient to determine the role of this variant in disease. Therefore, it has been classified as a Variant of Uncertain Significance. Advanced modeling of protein sequence and biophysical properties (such as structural, functional, and spatial information, amino acid conservation, physicochemical variation, residue mobility, and thermodynamic stability) performed at Invitae indicates that this missense variant is not expected to disrupt EEF1A2 protein function. This variant has not been reported in the literature in individuals affected with EEF1A2-related conditions. This variant is not present in population databases (gnomAD no frequency). This sequence change replaces leucine, which is neutral and non-polar, with valine, which is neutral and non-polar, at codon 394 of the EEF1A2 protein (p.Leu394Val).